The following is an entry in ClinVar:

ClinVar aggregate classification (germline): Uncertain significance (1 of 4 stars; one submission).

Conditions:
Nephronophthisis. Also called: Juvenile Nephronophthisis. Identifiers: Orphanet 655, MedGen C0687120, MONDO:0019005, HP:0000090.

Submission:

Labcorp Genetics (formerly Invitae), Labcorp
Classification: Uncertain significance for Nephronophthisis. Last evaluated: 2025-03-16. Review status: criteria provided, single submitter. Criteria: Invitae Variant Classification Sherloc (09022015). Collection method: clinical testing. Allele origin: germline.
Comment: This variant, c.1744_1746del, results in the deletion of 1 amino acid(s) of the NPHP1 protein (p.Leu582del), but otherwise preserves the integrity of the reading frame. This variant is not present in population databases (gnomAD no frequency). This variant has not been reported in the literature in individuals affected with NPHP1-related conditions. Experimental studies and prediction algorithms are not available or were not evaluated, and the functional significance of this variant is currently unknown. In summary, the available evidence is currently insufficient to determine the role of this variant in disease. Therefore, it has been classified as a Variant of Uncertain Significance.

NM_001128178.3(NPHP1):c.1573TTG[1] (p.Leu526del)

Gene: NPHP1 (nephrocystin 1; minus strand). Cytogenetic location: 2q13.
Variant type: Microsatellite.
Coding change: c.1573TTG[1] on transcript NM_001128178.3 (MANE Select); one copy of the 3-base unit TTG starting at c.1573; the reference has two copies in a row; one copy, 3 bases deleted.
Protein change: p.Leu526del; deletes leucine 526.
Genome position (GRCh38, 1-based): chr2:110,131,743-110,131,745, CAA deleted on the plus strand (TTG on the coding strand, the reverse complement: NPHP1 is on the minus strand); deleting any 3 consecutive bases within chr2:110,131,743-110,131,748 gives the same sequence; the position shown is the placement nearest the transcript's 3' end. VCF-style (leftmost placement, unchanged base first): chr2-110131742-TCAA-T. GRCh37 (hg19) VCF-style: chr2-110889319-TCAA-T.
Other names: c.1741TTG[1], p.Leu582del (NM_000272.5); c.1384TTG[1], p.Leu463del (NM_001128179.3); c.1570TTG[1], p.Leu525del (NM_001374256.1); c.1573TTG[1], p.Leu526del (NM_001374257.1); c.1738TTG[1], p.Leu581del (NM_207181.4); short protein forms L463del, L526del, L581del, L582del, L525del.
Identifiers: ClinVar variation 4777873 (VCV004777873.1).
Genomic context (GRCh38, chr2:110,131,742, plus strand): 5'-TACTTTGCAAGCTCATCCTGTCTTTCAGGAGCACATCTCCAAGAATTTGTCGATAAAATA[TCAA>T]CAAGTGAATAGAACACATATTTCCAATTAATGTTTCTGGCAGTAGACTATTAAAGAAGAA-3'